The following is an entry in ClinVar:

ClinVar aggregate classification (germline): Uncertain significance. Review status: criteria provided, multiple submitters, no conflicts (2 of 4 stars). 2 submissions from 2 submitters: Uncertain significance (2). Last evaluated 2022-07-08.

Conditions:
MHC class II deficiency. Also called: Bare lymphocyte syndrome 2; BLS, TYPE II. Identifiers: Orphanet 572, MedGen C5447452, MONDO:0008855.

Allele frequency attached by ClinVar (database versions not stated): ExAC 0.00003; gnomAD 0.00003; gnomAD exomes 0.00003; TOPMed 0.00005; ESP Exome Variant Server 0.00008; 1000 Genomes Project 30x 0.00016; 1000 Genomes Project 0.00020.
gnomAD v4.1: 85 of 1,614,152 alleles (0.0053%); highest among the groups gnomAD compares: Non-Finnish European, 0.0068%; no homozygotes.

Submissions (2):

Labcorp Genetics (formerly Invitae), Labcorp
Classification: Uncertain significance for MHC class II deficiency. Last evaluated: 2022-07-08. Review status: criteria provided, single submitter. Criteria: Invitae Variant Classification Sherloc (09022015). Collection method: clinical testing. Allele origin: germline.
Comment: This sequence change replaces glutamic acid, which is acidic and polar, with alanine, which is neutral and non-polar, at codon 178 of the RFXANK protein (p.Glu178Ala). This variant is present in population databases (rs372111384, gnomAD 0.006%). This variant has not been reported in the literature in individuals affected with RFXANK-related conditions. ClinVar contains an entry for this variant (Variation ID: 645231). Algorithms developed to predict the effect of missense changes on protein structure and function (SIFT, PolyPhen-2, Align-GVGD) all suggest that this variant is likely to be tolerated. In summary, the available evidence is currently insufficient to determine the role of this variant in disease. Therefore, it has been classified as a Variant of Uncertain Significance.

Illumina Laboratory Services, Illumina
Classification: Uncertain significance for MHC class II deficiency 1. Last evaluated: 2017-04-27. Review status: criteria provided, single submitter. Criteria: ICSL Variant Classification Criteria 13 December 2019. Collection method: clinical testing. Allele origin: germline.

NM_003721.4(RFXANK):c.533A>C (p.Glu178Ala)

Gene: RFXANK (regulatory factor X associated ankyrin containing protein; plus strand). Cytogenetic location: 19p13.11.
Variant type: single nucleotide variant.
Coding change: c.533A>C on transcript NM_003721.4 (MANE Select); coding-DNA position 533, A replaced by C.
Protein change: p.Glu178Ala; replaces glutamic acid 178 with alanine.
Molecular consequence: missense variant.
Genome position (GRCh38, 1-based): chr19:19,198,201, A>C. VCF-style: chr19-19198201-A-C. GRCh37 (hg19) VCF-style: chr19-19309010-A-C.
Other names: c.464A>C, p.Glu155Ala (NM_134440.3, NM_001278728.2); c.467A>C, p.Glu156Ala (NM_001278727.2, NM_001370234.1); c.533A>C, p.Glu178Ala (NM_001370233.1, NM_001370238.1); c.530A>C, p.Glu177Ala (NM_001370235.1, NM_001370236.1, NM_001370237.1); short protein forms E155A, E156A, E177A, E178A.
Identifiers: ClinVar variation 645231 (VCV000645231.6), dbSNP rs372111384, ClinGen allele CA9322793.
Genomic context (GRCh38, chr19:19,198,201, plus strand): 5'-AGAGCGCCCTGTCGCTGGCCAGCACAGGCGGCTACACAGACATTGTGGGGCTGCTGCTGG[A>C]GCGTGACGTGGACATCAACATCTATGATTGGGTGAGGGACTGCCCATCCCCAGGACCTCT-3'
Protein context (NP_003712.1, residues 168-188): GYTDIVGLLL[Glu178Ala]RDVDINIYDW